The following is an entry in ClinVar:

NM_000057.4(BLM):c.3461T>A (p.Ile1154Asn)

Gene: BLM (BLM RecQ like helicase; plus strand). Cytogenetic location: 15q26.1.
Variant type: single nucleotide variant.
Coding change: c.3461T>A on transcript NM_000057.4 (MANE Select); coding-DNA position 3461, T replaced by A.
Protein change: p.Ile1154Asn; replaces isoleucine 1154 with asparagine.
Molecular consequence: missense variant. On other transcripts: intron variant (1).
Genome position (GRCh38, 1-based): chr15:90,803,623, T>A. VCF-style: chr15-90803623-T-A. GRCh37 (hg19) VCF-style: chr15-91346853-T-A.
Other names: c.3461T>A, p.Ile1154Asn (NM_001287246.2); c.2336T>A, p.Ile779Asn (NM_001287248.2); c.3358+5286T>A (NM_001287247.2); short protein forms I779N, I1154N.
Identifiers: ClinVar variation 3651557 (VCV003651557.2).

ClinVar aggregate classification (germline): Uncertain significance (1 of 4 stars; one submission).

Conditions:
Bloom syndrome (BLM). Also called: Bloom-Torre-Machacek syndrome. Identifiers: Orphanet 125, MedGen C0005859, MONDO:0008876, OMIM 210900.

Submission:

Labcorp Genetics (formerly Invitae), Labcorp
Classification: Uncertain significance for Bloom syndrome. Last evaluated: 2025-07-07. Review status: criteria provided, single submitter. Criteria: Invitae Variant Classification Sherloc (09022015). Collection method: clinical testing. Allele origin: germline.
Comment: This sequence change replaces isoleucine, which is neutral and non-polar, with asparagine, which is neutral and polar, at codon 1154 of the BLM protein (p.Ile1154Asn). This variant is not present in population databases (gnomAD no frequency). This variant has not been reported in the literature in individuals affected with BLM-related conditions. ClinVar contains an entry for this variant (Variation ID: 3651557). Invitae Evidence Modeling of protein sequence and biophysical properties (such as structural, functional, and spatial information, amino acid conservation, physicochemical variation, residue mobility, and thermodynamic stability) indicates that this missense variant is expected to disrupt BLM protein function with a positive predictive value of 80%. In summary, the available evidence is currently insufficient to determine the role of this variant in disease. Therefore, it has been classified as a Variant of Uncertain Significance.